The following is an entry in ClinVar:

ClinVar aggregate classification (germline): Uncertain significance. Review status: criteria provided, multiple submitters, no conflicts (2 of 4 stars). 5 submissions from 5 submitters: Uncertain significance (5). Last evaluated 2025-10-18.

Conditions:
Mitochondrial DNA depletion syndrome 12B (cardiomyopathic type), autosomal recessive. Also called: Mitochondrial DNA depletion syndrome 12B (cardiomyopathic type) AR. Identifiers: Orphanet 1369, MedGen C3809443, MONDO:0014175, OMIM 615418.
Progressive external ophthalmoplegia with mitochondrial DNA deletions, autosomal dominant 2. Also called: PROGRESSIVE EXTERNAL OPHTHALMOPLEGIA, AUTOSOMAL DOMINANT 2. Identifiers: MedGen C1836460, MONDO:0012238, OMIM 609283.
Mitochondrial DNA depletion syndrome 12A (cardiomyopathic type), autosomal dominant. Also called: Mitochondrial DNA depletion syndrome 12A (cardiomyopathic type) AD. Identifiers: MedGen C4310676, MONDO:0014959, OMIM 617184.
Inborn genetic diseases. Identifiers: MedGen C0950123, MeSH D030342.

Allele frequency attached by ClinVar (database versions not stated): gnomAD 0.00001 and 0.00002; gnomAD exomes 0.00001; ExAC 0.00002; TOPMed 0.00003.
gnomAD v4.1: 15 of 1,614,068 alleles (0.00093%); highest among the groups gnomAD compares: Admixed American, 0.0033%; no homozygotes.

Submissions (5):

Labcorp Genetics (formerly Invitae), Labcorp
Classification: Uncertain significance. Last evaluated: 2025-10-18. Review status: criteria provided, single submitter. Criteria: Invitae Variant Classification Sherloc (09022015). Collection method: clinical testing. Allele origin: germline.
Comment: This sequence change replaces threonine, which is neutral and polar, with methionine, which is neutral and non-polar, at codon 252 of the SLC25A4 protein (p.Thr252Met). This variant is present in population databases (rs753197100, gnomAD 0.007%). This variant has not been reported in the literature in individuals affected with SLC25A4-related conditions. ClinVar contains an entry for this variant (Variation ID: 215173). Invitae Evidence Modeling of protein sequence and biophysical properties (such as structural, functional, and spatial information, amino acid conservation, physicochemical variation, residue mobility, and thermodynamic stability) indicates that this missense variant is not expected to disrupt SLC25A4 protein function with a negative predictive value of 80%. In summary, the available evidence is currently insufficient to determine the role of this variant in disease. Therefore, it has been classified as a Variant of Uncertain Significance.

Ambry Genetics
Classification: Uncertain significance for Inborn genetic diseases. Last evaluated: 2024-07-26. Review status: criteria provided, single submitter. Criteria: Ambry Variant Classification Scheme 2023. Collection method: clinical testing. Allele origin: germline.

Blueprint Genetics
Classification: Uncertain significance. Last evaluated: 2022-10-20. Review status: criteria provided, single submitter. Criteria: ACMG Guidelines, 2015. Collection method: clinical testing. Allele origin: germline.

Fulgent Genetics
Classification: Uncertain significance for Progressive external ophthalmoplegia with mitochondrial DNA deletions, autosomal dominant 2; Mitochondrial DNA depletion syndrome 12B (cardiomyopathic type), autosomal recessive; Mitochondrial DNA depletion syndrome 12A (cardiomyopathic type), autosomal dominant. Last evaluated: 2021-08-02. Review status: criteria provided, single submitter. Criteria: ACMG Guidelines, 2015. Collection method: clinical testing. Allele origin: unknown.

GeneDx
Classification: Uncertain significance. Last evaluated: 2011-08-17. Review status: criteria provided, single submitter. Criteria: GeneDx Variant Classification (06012015). Collection method: clinical testing. Allele origin: germline. Affected: yes.
Comment: p.Thr252Met (ACG>ATG): c.755 C>T in exon 4 of the SCL25A4 gene (NM_001151.3) A variant of unknown significance has been identified. The T252M missense substitution in the SLC25A4 has not been published as a mutation, nor has it been reported as a benign polymorphism to our knowledge. It has been seen in less than 1% of an African American and Caucasian control population. The amino acid change is non-conservative in that a polar Threonine residue is replaced by a non-polar Methionine residue. This change occurs at a position in the SLC25A4 protein that is not well conserved and in-silico analysis yields conflicting results regarding the pathogenicity of the T252M change. The variant is found in MITO24 panel(s).

NM_001151.4(SLC25A4):c.755C>T (p.Thr252Met)

Gene: SLC25A4 (solute carrier family 25 member 4; plus strand). Cytogenetic location: 4q35.1.
Variant type: single nucleotide variant.
Coding change: c.755C>T on transcript NM_001151.4 (MANE Select); coding-DNA position 755, C replaced by T.
Protein change: p.Thr252Met; replaces threonine 252 with methionine.
Molecular consequence: missense variant.
Genome position (GRCh38, 1-based): chr4:185,146,829, C>T. VCF-style: chr4-185146829-C-T. GRCh37 (hg19) VCF-style: chr4-186067983-C-T.
Other names: p.T252M:ACG>ATG; short protein forms T252M.
Identifiers: ClinVar variation 215173 (VCV000215173.9), dbSNP rs753197100, ClinGen allele CA324890.